The following is an entry in ClinVar:

ClinVar aggregate classification (germline): Uncertain significance (1 of 4 stars; one submission).

gnomAD v4.1: 51 of 1,613,776 alleles (0.0032%); highest among the groups gnomAD compares: Non-Finnish European, 0.0042%; no homozygotes.

Submission:

Labcorp Genetics (formerly Invitae), Labcorp
Classification: Uncertain significance. Last evaluated: 2024-08-29. Review status: criteria provided, single submitter. Criteria: Invitae Variant Classification Sherloc (09022015). Collection method: clinical testing. Allele origin: germline.
Comment: This sequence change replaces methionine, which is neutral and non-polar, with isoleucine, which is neutral and non-polar, at codon 916 of the HDAC4 protein (p.Met916Ile). This variant is present in population databases (rs763565228, gnomAD 0.006%). This variant has not been reported in the literature in individuals affected with HDAC4-related conditions. Invitae Evidence Modeling of protein sequence and biophysical properties (such as structural, functional, and spatial information, amino acid conservation, physicochemical variation, residue mobility, and thermodynamic stability) indicates that this missense variant is not expected to disrupt HDAC4 protein function with a negative predictive value of 80%. In summary, the available evidence is currently insufficient to determine the role of this variant in disease. Therefore, it has been classified as a Variant of Uncertain Significance.

NM_001378414.1(HDAC4):c.2763G>A (p.Met921Ile)

Gene: HDAC4 (histone deacetylase 4; minus strand). Cytogenetic location: 2q37.3.
Variant type: single nucleotide variant.
Coding change: c.2763G>A on transcript NM_001378414.1 (MANE Select); coding-DNA position 2763, G replaced by A.
Protein change: p.Met921Ile; replaces methionine 921 with isoleucine.
Molecular consequence: missense variant.
Genome position (GRCh38, 1-based): chr2:239,068,595, C>T on the plus strand (G>A on the coding strand, the complement: HDAC4 is on the minus strand). VCF-style: chr2-239068595-C-T. GRCh37 (hg19) VCF-style: chr2-239990291-C-T.
Other names: c.2763G>A, p.Met921Ile (NM_001378415.1); c.2748G>A, p.Met916Ile (NM_001378416.1, NM_001378417.1, NM_006037.4); short protein forms M921I, M916I.
Identifiers: ClinVar variation 3661263 (VCV003661263.2).